The following is an entry in ClinVar:

ClinVar aggregate classification (germline): Uncertain significance (1 of 4 stars; one submission).

gnomAD v4.1: 1 of 1,614,194 alleles (0.000062%); highest among the groups gnomAD compares: African/African-American, 0.0013%; no homozygotes.

Submission:

Ambry Genetics
Classification: Uncertain significance. Last evaluated: 2024-06-19. Review status: criteria provided, single submitter. Criteria: Ambry Variant Classification Scheme 2023. Collection method: clinical testing. Allele origin: germline.
Comment: The p.R355T variant (also known as c.1064G>C), located in coding exon 3 of the TERF2IP gene, results from a G to C substitution at nucleotide position 1064. The arginine at codon 355 is replaced by threonine, an amino acid with similar properties. This amino acid position is conserved. In addition, the in silico prediction for this alteration is inconclusive. Based on the available evidence, the clinical significance of this variant remains unclear.

NM_018975.4(TERF2IP):c.1064G>C (p.Arg355Thr)

Gene: TERF2IP (TERF2 interacting protein; plus strand). Cytogenetic location: 16q23.1.
Variant type: single nucleotide variant.
Coding change: c.1064G>C on transcript NM_018975.4 (MANE Select); coding-DNA position 1064, G replaced by C.
Protein change: p.Arg355Thr; replaces arginine 355 with threonine.
Molecular consequence: missense variant. On other transcripts: non-coding transcript variant (1).
Genome position (GRCh38, 1-based): chr16:75,656,475, G>C. VCF-style: chr16-75656475-G-C. GRCh37 (hg19) VCF-style: chr16-75690373-G-C.
Other names: short protein forms R355T.
Identifiers: ClinVar variation 3325472 (VCV003325472.1).